The following is an entry in ClinVar:

ClinVar aggregate classification (germline): Pathogenic (1 of 4 stars; one submission).

Conditions:
Fetal anomalies with a likely genetic cause.

Submission:

Genetics Laboratory, Great Ormond Street Hospital NHS Foundation Trust, North Thames Genomic Laboratory Hub
Classification: Pathogenic for Fetal anomalies with a likely genetic cause. Last evaluated: 2026-08-13. Review status: criteria provided, single submitter. Criteria: ACGS Best Practice Guidelines for Variant Classification in Rare Disease 2024 v1.2. Collection method: clinical testing. Allele origin: germline. Affected: yes.
Comment: PM2_moderate, PVS1_very-strong

NM_018136.5(ASPM):c.77_78insGC (p.Ala28fs)

Gene: ASPM (assembly factor for spindle microtubules; minus strand). Cytogenetic location: 1q31.3.
Variant type: Insertion.
Coding change: c.77_78insGC on transcript NM_018136.5 (MANE Select); coding-DNA positions 77 to 78, GC inserted.
Protein change: p.Ala28fs; shifts the reading frame from alanine 28.
Molecular consequence: frameshift variant.
Genome position: GRCh38 VCF-style: chr1-197146360-G-GGC. GRCh37 (hg19) VCF-style: chr1-197115490-G-GGC.
Other names: c.77_78insGC, p.Ala28fs (NM_001206846.2); short protein forms A28fs.
Identifiers: ClinVar variation 5016531 (VCV005016531.1).
Genomic context (GRCh38, chr1:197,146,360, plus strand): 5'-CCTGCAGAAGTGGCTGAGAGACAGGACCGGCGGGGAAGACGCCTCCTCCTCGGCCGCGGG[G>GGC]CCCCGCAGCCCCGCGGGCGGCCTCCGCTCGGTCGGGCTCACTTCCCAGCAGCCTCGCCCC-3'